The following is an entry in ClinVar:

NM_004380.3(CREBBP):c.7182C>T (p.Ser2394=)

Gene: CREBBP (CREB binding lysine acetyltransferase; minus strand). Cytogenetic location: 16p13.3.
Variant type: single nucleotide variant.
Coding change: c.7182C>T on transcript NM_004380.3 (MANE Select); coding-DNA position 7182, C replaced by T.
Protein change: p.Ser2394=; no amino-acid change (serine 2394 retained).
Molecular consequence: synonymous variant.
Genome position (GRCh38, 1-based): chr16:3,727,865, G>A on the plus strand (C>T on the coding strand, the complement: CREBBP is on the minus strand). VCF-style: chr16-3727865-G-A. GRCh37 (hg19) VCF-style: chr16-3777866-G-A.
Other names: c.7068C>T, p.Ser2356= (NM_001079846.1).
Identifiers: ClinVar variation 1310842 (VCV001310842.6), dbSNP rs934317603, ClinGen allele CA276971046.

ClinVar aggregate classification (germline): Conflicting classifications of pathogenicity. Review status: criteria provided, conflicting classifications (1 of 4 stars). 2 submissions from 2 submitters: Uncertain significance (1); Likely benign (1). Last evaluated 2024-04-10.

Conditions:
Rubinstein-Taybi syndrome (RSTS). Identifiers: Orphanet 783, MedGen C0035934, MONDO:0019188.

Allele frequency attached by ClinVar (database versions not stated): gnomAD exomes below 0.00001; TOPMed 0.00002.
gnomAD v4.1: 3 of 1,613,952 alleles (0.00019%); highest among the groups gnomAD compares: African/African-American, 0.0013%; no homozygotes.

Submissions (2):

Labcorp Genetics (formerly Invitae), Labcorp
Classification: Likely benign for Rubinstein-Taybi syndrome. Last evaluated: 2024-04-10. Review status: criteria provided, single submitter. Criteria: Invitae Variant Classification Sherloc (09022015). Collection method: clinical testing. Allele origin: germline.

GeneDx
Classification: Uncertain significance. Last evaluated: 2019-12-03. Review status: criteria provided, single submitter. Criteria: GeneDx Variant Classification Process June 2021. Collection method: clinical testing. Allele origin: germline. Affected: yes.
Comment: Not observed in large population cohorts (Lek et al., 2016); In silico analysis, which includes splice predictors and evolutionary conservation, supports that this variant does not alter protein structure/function; Has not been previously published as pathogenic or benign to our knowledge